The following is an entry in ClinVar:

ClinVar aggregate classification (germline): Uncertain significance. Review status: criteria provided, multiple submitters, no conflicts (2 of 4 stars). 2 submissions from 2 submitters: Uncertain significance (2). Last evaluated 2023-12-18.

Conditions:
Inborn genetic diseases. Identifiers: MedGen C0950123, MeSH D030342.

Allele frequency attached by ClinVar (database versions not stated): gnomAD exomes below 0.00001; gnomAD 0.00001; TOPMed 0.00002.
gnomAD v4.1: 10 of 1,613,966 alleles (0.00062%); highest among the groups gnomAD compares: Admixed American, 0.0033%; no homozygotes.

Submissions (2):

Ambry Genetics
Classification: Uncertain significance for Inborn genetic diseases. Last evaluated: 2023-12-18. Review status: criteria provided, single submitter. Criteria: Ambry Variant Classification Scheme 2023. Collection method: clinical testing. Allele origin: germline.

Labcorp Genetics (formerly Invitae), Labcorp
Classification: Uncertain significance. Last evaluated: 2022-12-09. Review status: criteria provided, single submitter. Criteria: Invitae Variant Classification Sherloc (09022015). Collection method: clinical testing. Allele origin: germline.
Comment: In summary, the available evidence is currently insufficient to determine the role of this variant in disease. Therefore, it has been classified as a Variant of Uncertain Significance. Advanced modeling of protein sequence and biophysical properties (such as structural, functional, and spatial information, amino acid conservation, physicochemical variation, residue mobility, and thermodynamic stability) performed at Invitae indicates that this missense variant is not expected to disrupt CNNM4 protein function. This variant has not been reported in the literature in individuals affected with CNNM4-related conditions. This variant is present in population databases (no rsID available, gnomAD 0.0009%). This sequence change replaces leucine, which is neutral and non-polar, with proline, which is neutral and non-polar, at codon 90 of the CNNM4 protein (p.Leu90Pro).

NM_020184.4(CNNM4):c.269T>C (p.Leu90Pro)

Gene: CNNM4 (cyclin and CBS domain divalent metal cation transport mediator 4; plus strand). Cytogenetic location: 2q11.2.
Variant type: single nucleotide variant.
Coding change: c.269T>C on transcript NM_020184.4 (MANE Select); coding-DNA position 269, T replaced by C.
Protein change: p.Leu90Pro; replaces leucine 90 with proline.
Molecular consequence: missense variant.
Genome position (GRCh38, 1-based): chr2:96,761,268, T>C. VCF-style: chr2-96761268-T-C. GRCh37 (hg19) VCF-style: chr2-97427005-T-C.
Other names: c.269T>C (NM_020184.3); short protein forms L90P.
Identifiers: ClinVar variation 2915788 (VCV002915788.4), dbSNP rs889522333, ClinGen allele CA52466761.